The following is an entry in ClinVar:

ClinVar aggregate classification (germline): Uncertain significance (1 of 4 stars; one submission).

gnomAD v4.1: 28 of 1,536,570 alleles (0.0018%); highest among the groups gnomAD compares: Non-Finnish European, 0.0023%; no homozygotes.

Submission:

Labcorp Genetics (formerly Invitae), Labcorp
Classification: Uncertain significance. Last evaluated: 2021-12-09. Review status: criteria provided, single submitter. Criteria: Invitae Variant Classification Sherloc (09022015). Collection method: clinical testing. Allele origin: germline.
Comment: This sequence change replaces leucine, which is neutral and non-polar, with valine, which is neutral and non-polar, at codon 65 of the TTPA protein (p.Leu65Val). This variant is not present in population databases (gnomAD no frequency). This variant has not been reported in the literature in individuals affected with TTPA-related conditions. Algorithms developed to predict the effect of missense changes on protein structure and function are either unavailable or do not agree on the potential impact of this missense change (SIFT: "Deleterious"; PolyPhen-2: "Possibly Damaging"; Align-GVGD: "Class C0"). In summary, the available evidence is currently insufficient to determine the role of this variant in disease. Therefore, it has been classified as a Variant of Uncertain Significance.

NM_000370.3(TTPA):c.193C>G (p.Leu65Val)

Gene: TTPA (alpha tocopherol transfer protein; minus strand). Cytogenetic location: 8q12.3.
Variant type: single nucleotide variant.
Coding change: c.193C>G on transcript NM_000370.3 (MANE Select); coding-DNA position 193, C replaced by G.
Protein change: p.Leu65Val; replaces leucine 65 with valine.
Molecular consequence: missense variant.
Genome position (GRCh38, 1-based): chr8:63,085,829, G>C on the plus strand (C>G on the coding strand, the complement: TTPA is on the minus strand). VCF-style: chr8-63085829-G-C. GRCh37 (hg19) VCF-style: chr8-63998388-G-C.
Other names: c.193C>G, p.Leu65Val (NM_001413414.1, NM_001413415.1, NM_001413416.1 and 2 more transcripts); short protein forms L65V.
Identifiers: ClinVar variation 1897627 (VCV001897627.2), dbSNP rs535442955, ClinGen allele CA371403370.